The following is an entry in ClinVar:

ClinVar aggregate classification (germline): Uncertain significance (1 of 4 stars; one submission).

Conditions:
PCM1-related disorder. Also called: PCM1-related condition.

Allele frequency attached by ClinVar (database versions not stated): TOPMed below 0.00001.

Submission:

PreventionGenetics, part of Exact Sciences
Classification: Uncertain significance for PCM1-related condition. Last evaluated: 2023-01-04. Review status: criteria provided, single submitter. Criteria: ACMG Guidelines, 2015. Collection method: clinical testing. Allele origin: germline.
Comment: The PCM1 c.5656T>C variant is predicted to result in the amino acid substitution p.Phe1886Leu. To our knowledge, this variant has not been reported in the literature or in a large population database, indicating this variant is rare. At this time, the clinical significance of this variant is uncertain due to the absence of conclusive functional and genetic evidence.

NM_006197.4(PCM1):c.5527T>C (p.Phe1843Leu)

Gene: PCM1 (pericentriolar material 1; plus strand). Cytogenetic location: 8p22.
Variant type: single nucleotide variant.
Coding change: c.5527T>C on transcript NM_006197.4 (MANE Select); coding-DNA position 5527, T replaced by C.
Protein change: p.Phe1843Leu; replaces phenylalanine 1843 with leucine.
Molecular consequence: missense variant. On other transcripts: non-coding transcript variant (1), intron variant (2).
Genome position (GRCh38, 1-based): chr8:18,013,979, T>C. VCF-style: chr8-18013979-T-C. GRCh37 (hg19) VCF-style: chr8-17871488-T-C.
Other names: c.5503T>C, p.Phe1835Leu (NM_001315507.2); c.5656T>C, p.Phe1886Leu (NM_001352632.2); c.5641T>C, p.Phe1881Leu (NM_001352633.2); c.5539T>C, p.Phe1847Leu (NM_001352634.2); c.5506T>C, p.Phe1836Leu (NM_001352635.2); c.5482T>C, p.Phe1828Leu (NM_001352636.2); c.5479T>C, p.Phe1827Leu (NM_001352637.2); c.5455T>C, p.Phe1819Leu (NM_001352638.2); and 10 more; short protein forms F1780L, F1781L, F1784L, F1788L, F1789L, F1792L, F1819L, F1827L.
Identifiers: ClinVar variation 2636642 (VCV002636642.1), dbSNP rs2092836072, ClinGen allele CA370435812.